The following is an entry in ClinVar:

ClinVar aggregate classification (germline): Uncertain significance (1 of 4 stars; one submission).

Allele frequency attached by ClinVar (database versions not stated): gnomAD exomes below 0.00001.
gnomAD v4.1: 1 of 1,612,568 alleles (0.000062%); highest among the groups gnomAD compares: South Asian, 0.0011%; no homozygotes.

Submission:

Labcorp Genetics (formerly Invitae), Labcorp
Classification: Uncertain significance. Last evaluated: 2022-08-15. Review status: criteria provided, single submitter. Criteria: Invitae Variant Classification Sherloc (09022015). Collection method: clinical testing. Allele origin: germline.
Comment: In summary, the available evidence is currently insufficient to determine the role of this variant in disease. Therefore, it has been classified as a Variant of Uncertain Significance. Algorithms developed to predict the effect of missense changes on protein structure and function are either unavailable or do not agree on the potential impact of this missense change (SIFT: "Tolerated"; PolyPhen-2: "Probably Damaging"; Align-GVGD: "Class C0"). ClinVar contains an entry for this variant (Variation ID: 1015695). This variant has not been reported in the literature in individuals affected with USH2A-related conditions. This variant is not present in population databases (gnomAD no frequency). This sequence change replaces glycine, which is neutral and non-polar, with aspartic acid, which is acidic and polar, at codon 1860 of the USH2A protein (p.Gly1860Asp).

NM_206933.4(USH2A):c.5579G>A (p.Gly1860Asp)

Genes: USH2A (usherin; minus strand), USH2A-AS2 (USH2A antisense RNA 2; plus strand). Cytogenetic location: 1q41.
Variant type: single nucleotide variant.
Coding change: c.5579G>A on transcript NM_206933.4 (MANE Select); coding-DNA position 5579, G replaced by A.
Protein change: p.Gly1860Asp; replaces glycine 1860 with aspartic acid.
Molecular consequence: missense variant.
Genome position (GRCh38, 1-based): chr1:216,073,294, C>T on the plus strand (G>A on the coding strand, the complement: USH2A is on the minus strand). VCF-style: chr1-216073294-C-T. GRCh37 (hg19) VCF-style: chr1-216246636-C-T.
Other names: short protein forms G1860D.
Identifiers: ClinVar variation 1015695 (VCV001015695.6), dbSNP rs2031626504, ClinGen allele CA344855024.
Genomic context (GRCh38, chr1:216,073,294, plus strand): 5'-GACACAGATGCCAAGTTAACGACAGCACCCCGTGTAAATTTAACATCCTTCATGCAACCA[C>T]CGAAACCTAGCAAATAGTAAGGGATTAGTATCGCATAAAGGGCTTGAGTCATTAATTACC-3'
Protein context (NP_996816.3, residues 1850-1870): YQHLCLEQGF[Gly1860Asp]GCMKDVKFTR